The following is an entry in ClinVar:

ClinVar aggregate classification (germline): Conflicting classifications of pathogenicity. Review status: criteria provided, conflicting classifications (1 of 4 stars). 3 submissions from 3 submitters: Uncertain significance (1); Likely benign (2). Last evaluated 2025-01-22.

Conditions:
FG syndrome (FGS). Identifiers: MedGen C0220769, MONDO:0002010.
Familial thoracic aortic aneurysm and aortic dissection (TAAD). Also called: Thoracic aortic aneurysms and dissections. Identifiers: Orphanet 91387, MedGen C4707243, MONDO:0019625.

Allele frequency attached by ClinVar (database versions not stated): gnomAD exomes below 0.00001; TOPMed 0.00001; gnomAD 0.00002; ExAC 0.00003; ESP Exome Variant Server 0.00020.
gnomAD v4.1: 7 of 1,207,380 alleles (0.00058%); highest among the groups gnomAD compares: African/African-American, 0.011%; no homozygotes.

Submissions (3):

Ambry Genetics
Classification: Likely benign for Familial thoracic aortic aneurysm and aortic dissection. Last evaluated: 2025-01-22. Review status: criteria provided, single submitter. Criteria: Ambry Variant Classification Scheme 2023. Collection method: clinical testing. Allele origin: germline.

Labcorp Genetics (formerly Invitae), Labcorp
Classification: Likely benign for FG syndrome. Last evaluated: 2024-07-20. Review status: criteria provided, single submitter. Criteria: Invitae Variant Classification Sherloc (09022015). Collection method: clinical testing. Allele origin: germline.

GeneDx
Classification: Uncertain significance. Last evaluated: 2023-05-08. Review status: criteria provided, single submitter. Criteria: GeneDx Variant Classification Process June 2021. Collection method: clinical testing. Allele origin: germline. Affected: yes.
Comment: Has not been previously published as pathogenic or benign to our knowledge; Not observed at significant frequency in large population cohorts (gnomAD); In silico analysis supports that this missense variant does not alter protein structure/function

NM_005120.3(MED12):c.1684A>G (p.Ser562Gly)

Genes: MED12 (mediator complex subunit 12; plus strand), LOC126863275 (BRD4-independent group 4 enhancer GRCh37_chrX:70342400-70343599; plus strand). Cytogenetic location: Xq13.1.
Variant type: single nucleotide variant.
Coding change: c.1684A>G on transcript NM_005120.3 (MANE Select); coding-DNA position 1684, A replaced by G.
Protein change: p.Ser562Gly; replaces serine 562 with glycine.
Molecular consequence: missense variant.
Genome position (GRCh38, 1-based): chrX:71,123,660, A>G. VCF-style: chrX-71123660-A-G. GRCh37 (hg19) VCF-style: chrX-70343510-A-G.
Other names: short protein forms S562G.
Identifiers: ClinVar variation 1708652 (VCV001708652.8), dbSNP rs374138730, ClinGen allele CA10444220.
Genomic context (GRCh38, chrX:71,123,660, plus strand): 5'-GGAGAATCAGAAGCCGCAGATGAGAAGGGTTCCATCGCCTCTGGCTCCCTTTCTGCTCCC[A>G]GTGCTCCCATTTTCCAGGATGTCCTCCTGCAGTTTCTGGATACACAGGCTCCCATGCTGA-3'
Protein context (NP_005111.2, residues 552-572): SIASGSLSAP[Ser562Gly]APIFQDVLLQ